The following is an entry in ClinVar:

NM_000097.7(CPOX):c.865A>C (p.Asn289His)

Gene: CPOX (coproporphyrinogen oxidase; minus strand). Cytogenetic location: 3q11.2.
Variant type: single nucleotide variant.
Coding change: c.865A>C on transcript NM_000097.7 (MANE Select); coding-DNA position 865, A replaced by C.
Protein change: p.Asn289His; replaces asparagine 289 with histidine.
Molecular consequence: missense variant.
Genome position (GRCh38, 1-based): chr3:98,588,801, T>G on the plus strand (A>C on the coding strand, the complement: CPOX is on the minus strand). VCF-style: chr3-98588801-T-G. GRCh37 (hg19) VCF-style: chr3-98307645-T-G.
Other names: short protein forms N289H.
Identifiers: ClinVar variation 3653874 (VCV003653874.2).

ClinVar aggregate classification (germline): Uncertain significance (1 of 4 stars; one submission).

Submission:

Labcorp Genetics (formerly Invitae), Labcorp
Classification: Uncertain significance. Last evaluated: 2024-06-02. Review status: criteria provided, single submitter. Criteria: Invitae Variant Classification Sherloc (09022015). Collection method: clinical testing. Allele origin: germline.
Comment: This sequence change replaces asparagine, which is neutral and polar, with histidine, which is basic and polar, at codon 289 of the CPOX protein (p.Asn289His). This variant is not present in population databases (gnomAD no frequency). This variant has not been reported in the literature in individuals affected with CPOX-related conditions. Advanced modeling of protein sequence and biophysical properties (such as structural, functional, and spatial information, amino acid conservation, physicochemical variation, residue mobility, and thermodynamic stability) performed at Invitae indicates that this missense variant is not expected to disrupt CPOX protein function with a negative predictive value of 80%. In summary, the available evidence is currently insufficient to determine the role of this variant in disease. Therefore, it has been classified as a Variant of Uncertain Significance.